The following is an entry in ClinVar:

NM_000048.4(ASL):c.533_557dup (p.Arg186_Leu187insGlyThrAspProArgLeuTer)

Gene: ASL (argininosuccinate lyase; plus strand). Cytogenetic location: 7q11.21.
Variant type: Duplication.
Coding change: c.533_557dup on transcript NM_000048.4 (MANE Select); coding-DNA positions 533 to 557, 25 bases duplicated (TGGCACTGACCCGAGACTCTGAGCG).
Protein change: p.Arg186_Leu187insGlyThrAspProArgLeuTer.
Molecular consequence: nonsense, inframe insertion. On other transcripts: intron variant (1).
Genome position (GRCh38, 1-based): chr7:66,086,752-66,086,776, TGGCACTGACCCGAGACTCTGAGCG duplicated; duplicating any 25 consecutive bases within chr7:66,086,750-66,086,776 gives the same sequence; the c. name uses the placement nearest the transcript's 3' end. VCF-style (leftmost placement, unchanged base first): chr7-66086749-C-CCGTGGCACTGACCCGAGACTCTGAG. GRCh37 (hg19) VCF-style: chr7-65551736-C-CCGTGGCACTGACCCGAGACTCTGAG.
Other names: c.533_557dupTGGCACTGACCCGAGACTCTGAGCG (NM_000048.3); c.533_557dup, p.Arg186_Leu187insGlyThrAspProArgLeuTer (NM_001024943.2, NM_001024944.2); c.524+90_524+114dup (NM_001024946.2).
Identifiers: ClinVar variation 203628 (VCV000203628.6), dbSNP rs796051932, ClinGen allele CA312348.

ClinVar aggregate classification (germline): Pathogenic. Review status: criteria provided, multiple submitters, no conflicts (2 of 4 stars). 2 submissions from 2 submitters: Pathogenic (2). Last evaluated 2022-01-07.

Conditions:
Argininosuccinate lyase deficiency. Also called: ARGININOSUCCINIC ACID LYASE DEFICIENCY; ASL DEFICIENCY; Argininosuccinic aciduria. Identifiers: Orphanet 23, MedGen C0268547, MONDO:0008815, OMIM 207900, HP:0025630.

Submissions (2):

Labcorp Genetics (formerly Invitae), Labcorp
Classification: Pathogenic for Argininosuccinate lyase deficiency. Last evaluated: 2022-01-07. Review status: criteria provided, single submitter. Criteria: Invitae Variant Classification Sherloc (09022015). Collection method: clinical testing. Allele origin: germline.
Comment: This sequence change creates a premature translational stop signal (p.Leu187Glyfs*7) in the ASL gene. It is expected to result in an absent or disrupted protein product. Loss-of-function variants in ASL are known to be pathogenic (PMID: 2263616, 24166829). For these reasons, this variant has been classified as Pathogenic. ClinVar contains an entry for this variant (Variation ID: 203628). This variant has not been reported in the literature in individuals affected with ASL-related conditions. This variant is present in population databases (rs796051932, gnomAD 0.003%).

GeneDx
Classification: Pathogenic. Last evaluated: 2014-05-21. Review status: criteria provided, single submitter. Criteria: GeneDx Variant Classification (06012015). Collection method: clinical testing. Allele origin: germline. Affected: yes.
Comment: The c.533_557dupTGGCACTGACCCGAGACTCTGAGCG mutation in the ASL gene has been reported previously in association with argininosuccinic aciduria (Balmer et al., 2014). For the c.533_557dupTGGCACTGACCCGAGACTCTGAGCG mutation, the normal sequence with the bases that are duplicated in braces is: GCCG{TGGCACTGACCCGAGACTCTGAGCG}GCTG. The insertion causes a frameshift starting with codon Leucine 187, changes this amino acid to a Glycine residue and creates a premature Stop codon at position 7 of the new reading frame, denoted p.Leu187GlyfsX7. This mutation is predicted to cause loss of normal protein function either through protein truncation or nonsense-mediated mRNA decay. The variant is found in ASL panel(s).

Literature cited by the submitters: PubMed 2263616 (cited by Labcorp Genetics (formerly Invitae), Labcorp); PubMed 24166829 (cited by Labcorp Genetics (formerly Invitae), Labcorp).